The following is an entry in ClinVar:

ClinVar aggregate classification (germline): Pathogenic. Review status: reviewed by expert panel (3 of 4 stars). 14 submissions from 14 submitters: Pathogenic (1). 13 of the submissions do not count toward it. Last evaluated 2021-05-06.

Conditions:
Inborn genetic diseases. Identifiers: MedGen C0950123, MeSH D030342.
Pyruvate dehydrogenase complex deficiency (PDHC). Also called: Pyruvate dehydrogenase deficiency; PDH DEFICIENCY; Pyruvate Dehydrogenase Complex Deficiency Disease; Ataxia with lactic acidosis 1; PYRUVATE DECARBOXYLASE DEFICIENCY. Identifiers: Orphanet 765, Orphanet 79243, MedGen C0034345, MONDO:0019169.
Pyruvate dehydrogenase E1-alpha deficiency (PDHAD). Also called: ATAXIA, INTERMITTENT, WITH PYRUVATE DEHYDROGENASE DEFICIENCY; ATAXIA WITH LACTIC ACIDOSIS I; ATAXIA, INTERMITTENT, WITH ABNORMAL PYRUVATE METABOLISM; Ataxia, intermittent, with pyruvate dehydrogenase, or decarboxylase, deficiency. Identifiers: Orphanet 79243, MedGen C1839413, MONDO:0010717, OMIM 312170.

Submissions 1 to 8 of 14:

ClinGen Mitochondrial Disease Nuclear and Mitochondrial  Variant Curation Expert Panel, ClinGen
Classification: Pathogenic for Pyruvate dehydrogenase complex deficiency. Last evaluated: 2021-05-06. Review status: reviewed by expert panel. Criteria: clingen mito disease acmg specifications v1-1. Collection method: curation. Allele origin: germline. Inheritance: X-linked inheritance.
Comment: The c.1142_c.1145dup variant in the PDHA1 gene is a frameshift variant in the final exon of PDHA1, which is predicted to escape nonsense mediated decay and result in amino acid truncation that removes less than 10% of the predicted protein product (PVS1_moderate PMID: 30192042). This variant is absent from population databases (PM2). This variant has been reported in several patients with presentations consistent with PDHA1-related disease in the literature. While this variant has been reported several times before, only five cases met criteria for scoring, including four assumed de novo cases in PMID: 10679936 and PMID: 20002461, and one maternity confirmed de novo case in PMID: 26865159. Several commercial testing laboratories (GeneDx, Illumina, and Ambry) have identified this variant was harbored by maternity confirmed de novo probands with presentations consistent with PDHA1-related disease (minimum of 3 and maximum of 6 probands- SCV001251622.1, SCV000252046.3, SCV000742395.2). Upon further review, the expert panel determined that while unable to confirm the identity of these patients, taken together these data in conjunction with the cases reported in the literature were sufficient to support elevating scoring to PS2_Very Strong per SVI de novo variant scoring criteria v1.0. PMID: 1779625 and PMID: 8504309 reported elevated pyruvate in the blood, and blood and CSF of the respective probands. PMID: 23021068 performed PDC activity assays < 3rd percentile in fibroblasts (PP4). In summary, this variant meets criteria to be classified as a pathogenic of PDHA1- related pyruvate dehydrogenase deficiency in an X-linked manner. PDHA1-specific ACMG/AMP criteria applied: (PVS1_moderate, PM2, PS2_Very Strong, PP4). This was reviewed with the PDHA1 expert panel on 4/6/2021 and approved on 4/18/2021.

Ambry Genetics
Classification: Pathogenic for Inborn genetic diseases. Last evaluated: 2026-05-26. Review status: criteria provided, single submitter. Criteria: Ambry Variant Classification Scheme 2023. Collection method: clinical testing. Allele origin: germline. Not counted in ClinVar's aggregate classification.
Comment: The c.1142_1145dupATCA (p.W383Sfs*6) alteration, located in coding exon 11 of the PDHA1 gene, consists of a duplication of ATCA at position 1142, causing a translational frameshift with a predicted alternate stop codon after 6 amino acids. This variant is not expected to trigger nonsense-mediated mRNA decay, and impacts the last 2% of the protein. However, premature stop codons are typically deleterious in nature. This variant was not reported in population-based cohorts in the Genome Aggregation Database (gnomAD). This variant was determined to be de novo in at least one individual with features consistent with Pyruvate dehydrogenase E1-alpha deficiency (Endo, 1991; Pirot, 2016; Wang, 2023; Ambry internal data). Based on the available evidence, this alteration is classified as pathogenic.

Broad Center for Mendelian Genomics, Broad Institute of MIT and Harvard
Classification: Pathogenic for Pyruvate dehydrogenase E1-alpha deficiency. Last evaluated: 2026-03-02. Review status: criteria provided, single submitter. Criteria: ACMG Guidelines, 2015. Collection method: research. Allele origin: germline. Inheritance: X-linked inheritance. Not counted in ClinVar's aggregate classification.
Comment: The p.Trp383SerfsTer6 variant in PDHA1 has been reported in individuals with pyruvate dehydrogenase E1-alpha deficiency (PMID: 23021068, 8504306, 1779625, 10679936, 20002461, 26865159), and was absent from large population studies. This variant has also been reported in ClinVar (Variation ID: 10880) and has been interpreted as pathogenic by several groups. This variant was found to be de novo in 2 individuals with confirmed paternity and maternity (PMID: 26865159; ClinVar Accession: SCV001364304.1), and assumed de novo in 4 individuals that do not have maternity and paternity confirmed (PMID: 20002461, 10679936). This variant is predicted to cause a frameshift, which alters the protein’s amino acid sequence beginning at position 383 and leads to a premature termination codon 6 amino acids downstream. This termination codon occurs within the last exon and is more likely to escape nonsense mediated decay (NMD) and result in a truncated protein. Heterozygous loss of function of the PDHA1 gene is an established disease mechanism in pyruvate dehydrogenase E1-alpha deficiency. The phenotype of individuals heterozygous for this variant is highly specific for pyruvate dehydrogenase E1-alpha deficiency based on metabolic workup consistent with disease (PMID: 1779625, 8504309). In summary, this variant meets criteria to be classified as pathogenic for X-linked dominant pyruvate dehydrogenase E1-alpha deficiency. ACMG/AMP Criteria applied: PS2_Very Strong, PVS1_moderate, PP4, PM2_supporting (Richards 2015).

Labcorp Genetics (formerly Invitae), Labcorp
Classification: Pathogenic for Pyruvate dehydrogenase E1-alpha deficiency. Last evaluated: 2025-02-18. Review status: criteria provided, single submitter. Criteria: Invitae Variant Classification Sherloc (09022015). Collection method: clinical testing. Allele origin: germline. Not counted in ClinVar's aggregate classification.
Comment: This sequence change creates a premature translational stop signal (p.Trp383Serfs*6) in the PDHA1 gene. While this is not anticipated to result in nonsense mediated decay, it is expected to disrupt the last 8 amino acid(s) of the PDHA1 protein. This variant is not present in population databases (gnomAD no frequency). This premature translational stop signal has been observed in individual(s) with clinical features of pyruvate dehydrogenase E1-alpha deficiency (PMID: 1779625, 24718837, 26865159). In at least one individual the variant was observed to be de novo. This variant is also known as c.1256_1259dup, p.Try421Serfs*6. ClinVar contains an entry for this variant (Variation ID: 10880). This variant disrupts a region of the PDHA1 protein in which other variant(s) (p.Ser388*) have been determined to be pathogenic (PMID: 7981697, 21846590, 21914562, 29756269). This suggests that this is a clinically significant region of the protein, and that variants that disrupt it are likely to be disease-causing. For these reasons, this variant has been classified as Pathogenic.

Dubai Health Genomic Medicine Center, Dubai Health
Classification: Pathogenic for Pyruvate dehydrogenase E1-alpha deficiency. Last evaluated: 2024-10-04. Review status: criteria provided, single submitter. Criteria: ACMG Guidelines, 2015. Collection method: research. Allele origin: germline. Affected: yes. Not counted in ClinVar's aggregate classification.
Comment: PVS1, PS4, PM2, PS2

Institute of Medical Genetics and Applied Genomics, University Hospital Tübingen
Classification: Likely pathogenic. Last evaluated: 2021-06-17. Review status: criteria provided, single submitter. Criteria: ACMG Guidelines, 2015. Collection method: clinical testing. Allele origin: germline. Inheritance: X-linked dominant inheritance. Affected: yes. Not counted in ClinVar's aggregate classification.

CeGaT Center for Human Genetics Tuebingen
Classification: Pathogenic. Last evaluated: 2020-06-01. Review status: criteria provided, single submitter. Criteria: CeGaT Center For Human Genetics Tuebingen Variant Classification Criteria Version 2. Collection method: clinical testing. Allele origin: germline. Affected: yes. Observed: 4 variant alleles. Not counted in ClinVar's aggregate classification.

HudsonAlpha Institute for Biotechnology
Classification: Pathogenic for Pyruvate dehydrogenase E1-alpha deficiency. Last evaluated: 2020-05-15. Review status: criteria provided, single submitter. Criteria: ACMG Guidelines, 2015. Collection method: research. Allele origin: de novo. Affected: yes. Observed: 1 variant allele. Study: CSER-SouthSeq. Not counted in ClinVar's aggregate classification.
Comment: ACMG codes: PVS1, PS2, PS4M, PM2, PP5

NM_000284.4(PDHA1):c.1142_1145dup (p.Trp383fs)

Gene: PDHA1 (pyruvate dehydrogenase E1 subunit alpha 1; plus strand). Cytogenetic location: Xp22.12.
Variant type: Duplication.
Coding change: c.1142_1145dup on transcript NM_000284.4 (MANE Select); coding-DNA positions 1142 to 1145, 4 bases duplicated (ATCA; older notation c.1142_1145dupATCA).
Protein change: p.Trp383fs; shifts the reading frame from tryptophan 383.
Molecular consequence: frameshift variant.
Genome position (GRCh38, 1-based): chrX:19,359,622-19,359,625, ATCA duplicated; duplicating any 4 consecutive bases within chrX:19,359,620-19,359,625 gives the same sequence; the c. name uses the placement nearest the transcript's 3' end. VCF-style (leftmost placement, unchanged base first): chrX-19359619-C-CCAAT. GRCh37 (hg19) VCF-style: chrX-19377737-C-CCAAT.
Other names: NM_000284.4(PDHA1):c.1142_1145dup; p.Trp383fs; c.1049_1052dup, p.Trp352fs (NM_001173456.2); c.1142_1145dup (NM_000284.3); c.1256_1259dup, p.Trp421fs (NM_001173454.2); c.1163_1166dup, p.Trp390fs (NM_001173455.2); short protein forms W390fs, W352fs, W383fs, W421fs.
Identifiers: ClinVar variation 10880 (VCV000010880.74), dbSNP rs606231189, ClinGen allele CA121215.